The following is an entry in ClinVar:

ClinVar aggregate classification (germline): Uncertain significance (1 of 4 stars; one submission).

Allele frequency attached by ClinVar (database versions not stated): gnomAD exomes below 0.00001; TOPMed below 0.00001.
gnomAD v4.1: 2 of 1,610,602 alleles (0.00012%); highest among the groups gnomAD compares: Non-Finnish European, 0.00017%; no homozygotes.

Submission:

Labcorp Genetics (formerly Invitae), Labcorp
Classification: Uncertain significance. Last evaluated: 2022-08-20. Review status: criteria provided, single submitter. Criteria: Invitae Variant Classification Sherloc (09022015). Collection method: clinical testing. Allele origin: germline.
Comment: This sequence change replaces proline, which is neutral and non-polar, with arginine, which is basic and polar, at codon 557 of the C6 protein (p.Pro557Arg). In summary, the available evidence is currently insufficient to determine the role of this variant in disease. Therefore, it has been classified as a Variant of Uncertain Significance. Algorithms developed to predict the effect of missense changes on protein structure and function are either unavailable or do not agree on the potential impact of this missense change (SIFT: "Deleterious"; PolyPhen-2: "Possibly Damaging"; Align-GVGD: "Class C0"). This variant has not been reported in the literature in individuals affected with C6-related conditions. This variant is not present in population databases (gnomAD no frequency).

NM_000065.5(C6):c.1670C>G (p.Pro557Arg)

Gene: C6 (complement C6; minus strand). Cytogenetic location: 5p13.1.
Variant type: single nucleotide variant.
Coding change: c.1670C>G on transcript NM_000065.5 (MANE Select); coding-DNA position 1670, C replaced by G.
Protein change: p.Pro557Arg; replaces proline 557 with arginine.
Molecular consequence: missense variant.
Genome position (GRCh38, 1-based): chr5:41,160,156, G>C on the plus strand (C>G on the coding strand, the complement: C6 is on the minus strand). VCF-style: chr5-41160156-G-C. GRCh37 (hg19) VCF-style: chr5-41160258-G-C.
Other names: c.1670C>G, p.Pro557Arg (NM_001115131.4); short protein forms P557R.
Identifiers: ClinVar variation 1717195 (VCV001717195.5), dbSNP rs1284339155, ClinGen allele CA359597620.